The following is an entry in ClinVar:

NM_001963.6(EGF):c.1313-3T>C

Gene: EGF (epidermal growth factor; plus strand). Cytogenetic location: 4q25.
Variant type: single nucleotide variant.
Coding change: c.1313-3T>C on transcript NM_001963.6 (MANE Select); 3 bases into the intron before coding-DNA position 1313, T replaced by C.
Molecular consequence: intron variant.
Genome position (GRCh38, 1-based): chr4:109,963,170, T>C. VCF-style: chr4-109963170-T-C. GRCh37 (hg19) VCF-style: chr4-110884326-T-C.
Other names: c.1313-3T>C (NM_001178130.3); c.1187-3T>C (NM_001178131.3, NM_001357021.2).
Identifiers: ClinVar variation 2788738 (VCV002788738.3), dbSNP rs374819951, ClinGen allele CA3043651.

ClinVar aggregate classification (germline): Uncertain significance (1 of 4 stars; one submission).

Allele frequency attached by ClinVar (database versions not stated): gnomAD exomes below 0.00001; ExAC 0.00001; gnomAD 0.00001; TOPMed 0.00001; ESP Exome Variant Server 0.00008.
gnomAD v4.1: 6 of 1,613,892 alleles (0.00037%); highest among the groups gnomAD compares: Admixed American, 0.0017%; no homozygotes.

Submission:

Labcorp Genetics (formerly Invitae), Labcorp
Classification: Uncertain significance. Last evaluated: 2023-04-26. Review status: criteria provided, single submitter. Criteria: Invitae Variant Classification Sherloc (09022015). Collection method: clinical testing. Allele origin: germline.
Comment: This variant is present in population databases (rs374819951, gnomAD 0.003%). In summary, the available evidence is currently insufficient to determine the role of this variant in disease. Therefore, it has been classified as a Variant of Uncertain Significance. Variants that disrupt the consensus splice site are a relatively common cause of aberrant splicing (PMID: 17576681, 9536098). Algorithms developed to predict the effect of sequence changes on RNA splicing suggest that this variant is not likely to affect RNA splicing. This variant has not been reported in the literature in individuals affected with EGF-related conditions. This sequence change falls in intron 8 of the EGF gene. It does not directly change the encoded amino acid sequence of the EGF protein. It affects a nucleotide within the consensus splice site.

Literature cited by the submitters: PubMed 17576681; PubMed 9536098.